The following is an entry in ClinVar:

ClinVar aggregate classification (germline): Conflicting classifications of pathogenicity. Review status: criteria provided, conflicting classifications (1 of 4 stars). 4 submissions from 4 submitters: Uncertain significance (3); Likely benign (1). Last evaluated 2024-12-09.

Conditions:
Autosomal recessive limb-girdle muscular dystrophy type 2J (LGMDR10). Also called: Limb-girdle muscular dystrophy, type 2J; MUSCULAR DYSTROPHY, LIMB-GIRDLE, AUTOSOMAL RECESSIVE 10. Identifiers: Orphanet 140922, MedGen C1837342, MONDO:0012127, OMIM 608807.
Dilated cardiomyopathy 1G (CMD1G). Identifiers: Orphanet 154, MedGen C1858763, MONDO:0011400, OMIM 604145.

Allele frequency attached by ClinVar (database versions not stated): ExAC 0.00004; TOPMed 0.00006; gnomAD 0.00017; gnomAD exomes 0.00003.

Submissions (4):

Women's Health and Genetics/Laboratory Corporation of America, LabCorp
Classification: Likely benign. Last evaluated: 2024-12-09. Review status: criteria provided, single submitter. Criteria: LabCorp Variant Classification Summary - May 2015. Collection method: clinical testing. Allele origin: germline.
Comment: Variant summary: TTN c.82232C>T (p.Thr27411Ile) results in a non-conservative amino acid change located in the A-band region of the encoded protein sequence. This variant is also known as c.89936C>T(p.Thr29979Ile) in NM_001267550. Three of five in-silico tools predict a benign effect of the variant on protein function. The variant allele was found at a frequency of 9.7e-05 in 247934 control chromosomes, predominantly at a frequency of 0.00052 within the Latino subpopulation in the gnomAD database. The observed variant frequency within Latino control individuals in the gnomAD database is approximately 1-fold of the estimated maximal expected allele frequency for a pathogenic variant in TTN causing Autosomal Recessive Titinopathy phenotype (0.00039). c.82232C>T has been reported in the literature in individual(s) affected with HCM, without primary information, nor strong evidence for causality (AlejandraRestrepo-Cordoba_2017). These report(s) do not provide unequivocal conclusions about association of the variant with Autosomal Recessive Titinopathy. To our knowledge, no experimental evidence demonstrating an impact on protein function has been reported. ClinVar contains an entry for this variant (Variation ID: 405001). Based on the evidence outlined above, the variant was classified as likely benign.

Blueprint Genetics
Classification: Uncertain significance. Last evaluated: 2021-05-11. Review status: criteria provided, single submitter. Criteria: ACMG Guidelines, 2015. Collection method: clinical testing. Allele origin: germline.

Labcorp Genetics (formerly Invitae), Labcorp
Classification: Uncertain significance for Dilated cardiomyopathy 1G; Autosomal recessive limb-girdle muscular dystrophy type 2J. Last evaluated: 2016-10-01. Review status: criteria provided, single submitter. Criteria: Invitae Variant Classification Sherloc (09022015). Collection method: clinical testing. Allele origin: germline.

Breakthrough Genomics
Classification: Uncertain significance. Review status: criteria provided, single submitter. Criteria: ACMG Guidelines, 2015. Collection method: not provided. Allele origin: germline. Inheritance: Autosomal recessive inheritance. Affected: yes.

Literature cited by the submitters: PubMed 28138913 (cited by Women's Health and Genetics/Laboratory Corporation of America, LabCorp).

NM_001267550.2(TTN):c.89936C>T (p.Thr29979Ile)

Genes: TTN (titin; minus strand), TTN-AS1 (TTN antisense RNA 1; plus strand). Cytogenetic location: 2q31.2.
Variant type: single nucleotide variant.
Coding change: c.89936C>T on transcript NM_001267550.2 (MANE Select); coding-DNA position 89936, C replaced by T.
Protein change: p.Thr29979Ile; replaces threonine 29979 with isoleucine.
Molecular consequence: missense variant.
Genome position (GRCh38, 1-based): chr2:178,552,964, G>A on the plus strand (C>T on the coding strand, the complement: TTN is on the minus strand). VCF-style: chr2-178552964-G-A. GRCh37 (hg19) VCF-style: chr2-179417691-G-A.
Other names: c.85013C>T, p.Thr28338Ile (NM_001256850.1); c.62741C>T, p.Thr20914Ile (NM_003319.4); c.82232C>T, p.Thr27411Ile (NM_133378.4); c.63116C>T, p.Thr21039Ile (NM_133432.3); c.63317C>T, p.Thr21106Ile (NM_133437.4); short protein forms T29979I, T21106I, T27411I, T20914I, T21039I, T28338I.
Identifiers: ClinVar variation 405001 (VCV000405001.6), dbSNP rs779619858, ClinGen allele CA1987851.